The following is an entry in ClinVar:

NM_000548.5(TSC2):c.5306A>G (p.His1769Arg)

Gene: TSC2 (TSC complex subunit 2; plus strand). Cytogenetic location: 16p13.3.
Variant type: single nucleotide variant.
Coding change: c.5306A>G on transcript NM_000548.5 (MANE Select); coding-DNA position 5306, A replaced by G.
Protein change: p.His1769Arg; replaces histidine 1769 with arginine.
Molecular consequence: missense variant.
Genome position (GRCh38, 1-based): chr16:2,088,492, A>G. VCF-style: chr16-2088492-A-G. GRCh37 (hg19) VCF-style: chr16-2138493-A-G.
Other names: c.5105A>G, p.His1702Arg (NM_001077183.3); c.5237A>G, p.His1746Arg (NM_001114382.3); c.4997A>G, p.His1666Arg (NM_001318827.2); c.4961A>G, p.His1654Arg (NM_001318829.2); c.4574A>G, p.His1525Arg (NM_001318831.2); c.5138A>G, p.His1713Arg (NM_001318832.2); c.5108A>G, p.His1703Arg (NM_001363528.2); c.5174A>G, p.His1725Arg (NM_001370404.1); and 2 more; short protein forms H1769R, H1654R, H1666R, H1713R, H1722R, H1725R, H1726R, H1746R.
Identifiers: ClinVar variation 573956 (VCV000573956.11), dbSNP rs1567133809, ClinGen allele CA394315386.

ClinVar aggregate classification (germline): Uncertain significance. Review status: criteria provided, multiple submitters, no conflicts (2 of 4 stars). 2 submissions from 2 submitters: Uncertain significance (2). Last evaluated 2022-05-24.

Conditions:
Tuberous sclerosis 2 (TSC2). Identifiers: Orphanet 805, MedGen C1860707, MONDO:0013199, OMIM 613254.
Hereditary cancer-predisposing syndrome. Also called: Hereditary neoplastic syndrome; Neoplastic Syndromes, Hereditary; Hereditary Cancer Syndrome; Tumor predisposition. Identifiers: Orphanet 140162, MedGen C0027672, MeSH D009386, MONDO:0015356.

Submissions (2):

Ambry Genetics
Classification: Uncertain significance for Hereditary cancer-predisposing syndrome. Last evaluated: 2022-05-24. Review status: criteria provided, single submitter. Criteria: Ambry Variant Classification Scheme 2023. Collection method: clinical testing. Allele origin: germline.
Comment: The p.H1769R variant (also known as c.5306A>G), located in coding exon 41 of the TSC2 gene, results from an A to G substitution at nucleotide position 5306. The histidine at codon 1769 is replaced by arginine, an amino acid with highly similar properties. This amino acid position is conserved. In addition, the in silico prediction for this alteration is inconclusive. Since supporting evidence is limited at this time, the clinical significance of this alteration remains unclear.

Labcorp Genetics (formerly Invitae), Labcorp
Classification: Uncertain significance for Tuberous sclerosis 2. Last evaluated: 2018-05-29. Review status: criteria provided, single submitter. Criteria: Invitae Variant Classification Sherloc (09022015). Collection method: clinical testing. Allele origin: germline.
Comment: This variant is not present in population databases (ExAC no frequency). This sequence change replaces histidine with arginine at codon 1769 of the TSC2 protein (p.His1769Arg). The histidine residue is moderately conserved and there is a small physicochemical difference between histidine and arginine. This variant has not been reported in the literature in individuals with TSC2-related disease. In summary, the available evidence is currently insufficient to determine the role of this variant in disease. Therefore, it has been classified as a Variant of Uncertain Significance. Algorithms developed to predict the effect of missense changes on protein structure and function (SIFT, PolyPhen-2, Align-GVGD) all suggest that this variant is likely to be tolerated, but these predictions have not been confirmed by published functional studies and their clinical significance is uncertain.